The following is an entry in ClinVar:

ClinVar aggregate classification (germline): Uncertain significance (1 of 4 stars; one submission).

Submission:

GeneDx
Classification: Uncertain significance. Last evaluated: 2024-02-12. Review status: criteria provided, single submitter. Criteria: GeneDx Variant Classification Process June 2021. Collection method: clinical testing. Allele origin: germline. Affected: yes.
Comment: Has not been previously published as pathogenic or benign to our knowledge; Not observed at significant frequency in large population cohorts (gnomAD); Located in a region that tolerates variation and lacks pathogenic variants

NM_005257.6(GATA6):c.-1G>A

Gene: GATA6 (GATA binding protein 6; plus strand). Cytogenetic location: 18q11.2.
Variant type: single nucleotide variant.
Coding change: c.-1G>A on transcript NM_005257.6 (MANE Select); 1 bases upstream of the start codon, G replaced by A.
Molecular consequence: 5 prime UTR variant.
Genome position (GRCh38, 1-based): chr18:22,171,144, G>A. VCF-style: chr18-22171144-G-A. GRCh37 (hg19) VCF-style: chr18-19751105-G-A.
Identifiers: ClinVar variation 3369125 (VCV003369125.1).
Genomic context (GRCh38, chr18:22,171,144, plus strand): 5'-CCCGTCTCCCCCACCCCACCTCAGGAGCTAGACGTCAGCTTGGAGCGGCGCCGGACCGTG[G>A]ATGGCCTTGACTGACGGCGGCTGGTGCTTGCCGAAGCGCTTCGGGGCCGCGGGTGCGGAC-3'